The following is an entry in ClinVar:

ClinVar aggregate classification (germline): Pathogenic (1 of 4 stars; one submission).

Conditions:
Pseudo-Hurler polydystrophy. Also called: ML III; ML III ALPHA/BETA; MUCOLIPIDOSIS IIIA; Type III Mucolipidosis; ML IIIA; Mucolipidosis III Alpha/Beta. Identifiers: Orphanet 423461, Orphanet 577, MedGen C0033788, MONDO:0018931, OMIM 252600.
Mucolipidosis type II. Also called: ML II ALPHA/BETA; Mucolipidosis 2; ML 2; Inclusion cell disease; Leroy Disease; N-acetylglucosamine 1phosphotransferase deficiency. Identifiers: Orphanet 576, MedGen C2673377, MONDO:0009650, OMIM 252500.

Submission:

Labcorp Genetics (formerly Invitae), Labcorp
Classification: Pathogenic for Pseudo-Hurler polydystrophy; Mucolipidosis type II. Last evaluated: 2021-11-06. Review status: criteria provided, single submitter. Criteria: Invitae Variant Classification Sherloc (09022015). Collection method: clinical testing. Allele origin: germline.
Comment: This variant has not been reported in the literature in individuals affected with GNPTAB-related conditions. For these reasons, this variant has been classified as Pathogenic. Algorithms developed to predict the effect of sequence changes on RNA splicing suggest that this variant may create or strengthen a splice site. This variant is not present in population databases (gnomAD no frequency). This sequence change creates a premature translational stop signal (p.Glu624Glyfs*6) in the GNPTAB gene. It is expected to result in an absent or disrupted protein product. Loss-of-function variants in GNPTAB are known to be pathogenic (PMID: 19617216, 25107912).

Literature cited by the submitters: PubMed 19617216; PubMed 25107912.

NM_024312.5(GNPTAB):c.1871del (p.Glu624fs)

Gene: GNPTAB (N-acetylglucosamine-1-phosphate transferase subunits alpha and beta; minus strand). Cytogenetic location: 12q23.2.
Variant type: Deletion.
Coding change: c.1871del on transcript NM_024312.5 (MANE Select); coding-DNA position 1871, one base deleted (A; older notation c.1871delA).
Protein change: p.Glu624fs; shifts the reading frame from glutamic acid 624.
Molecular consequence: frameshift variant.
Genome position (GRCh38, 1-based): chr12:101,765,046, T deleted on the plus strand (A on the coding strand, the reverse complement: GNPTAB is on the minus strand). VCF-style (leftmost placement, unchanged base first): chr12-101765045-CT-C. GRCh37 (hg19) VCF-style: chr12-102158823-CT-C.
Other names: short protein forms E624fs.
Identifiers: ClinVar variation 1452854 (VCV001452854.6), dbSNP rs2137117586, ClinGen allele CA2573147952.
Genomic context (GRCh38, chr12:101,765,045, plus strand): 5'-TGTAGAATTCAGTTTTGGTCCCTCCCTTGTGTCCACCTCCACTGTTATCTGCATTTTGAA[CT>C]CTTCATCGTTTGTATTTTGAAACGTGAGATTAAAATGTATTGTGGTGGCATTCATTCCAC-3'